The following is an entry in ClinVar:

NM_001352027.3(PHF21A):c.1439C>G (p.Pro480Arg)

Gene: PHF21A (PHD finger protein 21A; minus strand). Cytogenetic location: 11p11.2.
Variant type: single nucleotide variant.
Coding change: c.1439C>G on transcript NM_001352027.3 (MANE Select); coding-DNA position 1439, C replaced by G.
Protein change: p.Pro480Arg; replaces proline 480 with arginine.
Molecular consequence: missense variant. On other transcripts: non-coding transcript variant (1), intron variant (6).
Genome position (GRCh38, 1-based): chr11:45,945,853, G>C on the plus strand (C>G on the coding strand, the complement: PHF21A is on the minus strand). VCF-style: chr11-45945853-G-C. GRCh37 (hg19) VCF-style: chr11-45967404-G-C.
Other names: c.1439C>G, p.Pro480Arg (NM_001352026.3, NM_001441170.1, NM_001352025.3); c.1460C>G, p.Pro487Arg (NM_001441167.1, NM_001441168.1); c.1457C>G, p.Pro486Arg (NM_001441169.1); c.1436C>G, p.Pro479Arg (NM_001441171.1, NM_001101802.3); c.1187C>G, p.Pro396Arg (NM_001441172.1); c.1308+223C>G (NM_001352030.3, NM_001352031.3, NM_001352032.3); c.1311+223C>G (NM_016621.5, NM_001352028.1, NM_001352029.1); short protein forms P479R, P396R, P486R, P480R, P487R.
Identifiers: ClinVar variation 4728616 (VCV004728616.1).

ClinVar aggregate classification (germline): Uncertain significance (1 of 4 stars; one submission).

Submission:

Labcorp Genetics (formerly Invitae), Labcorp
Classification: Uncertain significance. Last evaluated: 2025-10-22. Review status: criteria provided, single submitter. Criteria: Invitae Variant Classification Sherloc (09022015). Collection method: clinical testing. Allele origin: germline.
Comment: This sequence change replaces proline, which is neutral and non-polar, with arginine, which is basic and polar, at codon 479 of the PHF21A protein (p.Pro479Arg). This variant is not present in population databases (gnomAD no frequency). This variant has not been reported in the literature in individuals affected with PHF21A-related conditions. An algorithm developed to predict the effect of missense changes on protein structure and function (PolyPhen-2) suggests that this variant is likely to be disruptive. In summary, the available evidence is currently insufficient to determine the role of this variant in disease. Therefore, it has been classified as a Variant of Uncertain Significance.